The following is an entry in ClinVar:

NM_004329.3(BMPR1A):c.365T>A (p.Ile122Lys)

Gene: BMPR1A (bone morphogenetic protein receptor type 1A; plus strand). Cytogenetic location: 10q23.2.
Variant type: single nucleotide variant.
Coding change: c.365T>A on transcript NM_004329.3 (MANE Select); coding-DNA position 365, T replaced by A.
Protein change: p.Ile122Lys; replaces isoleucine 122 with lysine.
Molecular consequence: missense variant. On other transcripts: non-coding transcript variant (3), intron variant (1).
Genome position (GRCh38, 1-based): chr10:86,899,825, T>A. VCF-style: chr10-86899825-T-A. GRCh37 (hg19) VCF-style: chr10-88659582-T-A.
Other names: c.365T>A, p.Ile122Lys (NM_001406576.1, NM_001406577.1, NM_001406578.1 and 22 more transcripts); c.281T>A, p.Ile94Lys (NM_001406584.1, NM_001406585.1, NM_001406586.1 and 2 more transcripts); c.333+7596T>A (NM_001406589.1); short protein forms I94K, I122K.
Identifiers: ClinVar variation 3664747 (VCV003664747.2).

ClinVar aggregate classification (germline): Uncertain significance (1 of 4 stars; one submission).

Conditions:
Juvenile polyposis syndrome (JPS). Identifiers: Orphanet 2929, MedGen C0345893, MONDO:0017380, OMIM 174900.

Submission:

Labcorp Genetics (formerly Invitae), Labcorp
Classification: Uncertain significance for Juvenile polyposis syndrome. Last evaluated: 2024-11-11. Review status: criteria provided, single submitter. Criteria: Invitae Variant Classification Sherloc (09022015). Collection method: clinical testing. Allele origin: germline.
Comment: This sequence change replaces isoleucine, which is neutral and non-polar, with lysine, which is basic and polar, at codon 122 of the BMPR1A protein (p.Ile122Lys). This variant is not present in population databases (gnomAD no frequency). This variant has not been reported in the literature in individuals affected with BMPR1A-related conditions. Invitae Evidence Modeling of protein sequence and biophysical properties (such as structural, functional, and spatial information, amino acid conservation, physicochemical variation, residue mobility, and thermodynamic stability) has been performed for this missense variant. However, the output from this modeling did not meet the statistical confidence thresholds required to predict the impact of this variant on BMPR1A protein function. In summary, the available evidence is currently insufficient to determine the role of this variant in disease. Therefore, it has been classified as a Variant of Uncertain Significance.